The following is an entry in ClinVar:

NM_002907.4(RECQL):c.1156G>A (p.Val386Ile)

Gene: RECQL (RecQ like helicase; minus strand). Cytogenetic location: 12p12.1.
Variant type: single nucleotide variant.
Coding change: c.1156G>A on transcript NM_002907.4 (MANE Select); coding-DNA position 1156, G replaced by A.
Protein change: p.Val386Ile; replaces valine 386 with isoleucine.
Molecular consequence: missense variant.
Genome position (GRCh38, 1-based): chr12:21,475,528, C>T on the plus strand (G>A on the coding strand, the complement: RECQL is on the minus strand). VCF-style: chr12-21475528-C-T. GRCh37 (hg19) VCF-style: chr12-21628462-C-T.
Other names: c.1156G>A, p.Val386Ile (NM_032941.3); short protein forms V386I.
Identifiers: ClinVar variation 1735469 (VCV001735469.3), dbSNP rs1471983172, ClinGen allele CA384119772.

ClinVar aggregate classification (germline): Uncertain significance (1 of 4 stars; one submission).

Allele frequency attached by ClinVar (database versions not stated): gnomAD exomes below 0.00001.

Submission:

Ambry Genetics
Classification: Uncertain significance. Last evaluated: 2025-05-07. Review status: criteria provided, single submitter. Criteria: Ambry Variant Classification Scheme 2023. Collection method: clinical testing. Allele origin: germline.
Comment: The p.V386I variant (also known as c.1156G>A), located in coding exon 9 of the RECQL gene, results from a G to A substitution at nucleotide position 1156. The valine at codon 386 is replaced by isoleucine, an amino acid with highly similar properties. This amino acid position is conserved. In addition, the in silico prediction for this alteration is inconclusive. Since supporting evidence is limited at this time, the clinical significance of this alteration remains unclear.